The following is an entry in ClinVar:

ClinVar aggregate classification (germline): Benign/Likely benign. Review status: criteria provided, multiple submitters, no conflicts (2 of 4 stars). 7 submissions from 6 submitters: Benign (4); Likely benign (2). 1 of the submissions does not count toward it. Last evaluated 2026-02-02.

Conditions:
Mitochondrial trifunctional protein deficiency. Identifiers: Orphanet 746, MedGen C1969443, MONDO:0012172.
Long chain 3-hydroxyacyl-CoA dehydrogenase deficiency. Also called: Deficiency of long-chain 3-hydroxyacyl-coenzyme A dehydrogenase; LCHAD Deficiency. Identifiers: Orphanet 5, MedGen C3711645, MONDO:0012173, OMIM 609016.

Allele frequency attached by ClinVar (database versions not stated): gnomAD exomes 0.00049 and 0.00099; ExAC 0.00122; 1000 Genomes Project 0.00339; ESP Exome Variant Server 0.00346; gnomAD 0.00372 and 0.00403; 1000 Genomes Project 30x 0.00390; TOPMed 0.00402.
gnomAD v4.1: 1,297 of 1,577,612 alleles (0.082%); highest among the groups gnomAD compares: African/African-American, 1.2%; 3 homozygotes.

Submissions (7):

Labcorp Genetics (formerly Invitae), Labcorp
Classification: Benign for Mitochondrial trifunctional protein deficiency; Long chain 3-hydroxyacyl-CoA dehydrogenase deficiency. Last evaluated: 2026-02-02. Review status: criteria provided, single submitter. Criteria: Invitae Variant Classification Sherloc (09022015). Collection method: clinical testing. Allele origin: germline.

Mayo Clinic Laboratories, Mayo Clinic
Classification: Likely benign. Last evaluated: 2025-05-07. Review status: criteria provided, single submitter. Criteria: ACMG Guidelines, 2015. Collection method: clinical testing. Allele origin: germline. Observed: 12 variant alleles.
Comment: BS1, BP4

Blueprint Genetics
Classification: Likely benign. Last evaluated: 2024-11-11. Review status: criteria provided, single submitter. Criteria: ACMG Guidelines, 2015. Collection method: clinical testing. Allele origin: germline.

GeneDx
Classification: Benign. Last evaluated: 2019-06-27. Review status: criteria provided, single submitter. Criteria: GeneDx Variant Classification Process June 2021. Collection method: clinical testing. Allele origin: germline. Affected: yes.

Illumina Laboratory Services, Illumina
Classification: Benign for Long chain 3-hydroxyacyl-CoA dehydrogenase deficiency. Last evaluated: 2018-01-12. Review status: criteria provided, single submitter. Criteria: ICSL Variant Classification Criteria 13 December 2019. Collection method: clinical testing. Allele origin: germline.
Comment: This variant was observed in the ICSL laboratory as part of a predisposition screen in an ostensibly healthy population. It had not been previously curated by ICSL or reported in the Human Gene Mutation Database (HGMD: prior to June 1st, 2018), and was therefore a candidate for classification through an automated scoring system. Utilizing variant allele frequency, disease prevalence and penetrance estimates, and inheritance mode, an automated score was calculated to assess if this variant is too frequent to cause the disease. Based on the score and internal cut-off values, a variant classified as benign is not then subjected to further curation. The score for this variant resulted in a classification of benign for this disease.

Illumina Laboratory Services, Illumina
Classification: Benign for Mitochondrial trifunctional protein deficiency 1. Last evaluated: 2018-01-12. Review status: criteria provided, single submitter. Criteria: ICSL Variant Classification Criteria 13 December 2019. Collection method: clinical testing. Allele origin: germline.
Comment: the same text as in the submission from Illumina Laboratory Services, Illumina above.

Natera, Inc.
Classification: Benign for Deficiency of long-chain 3-hydroxyacyl-coenzyme A dehydrogenase. Last evaluated: 2019-10-18. Review status: no assertion criteria provided. Collection method: clinical testing. Allele origin: germline. Not counted in ClinVar's aggregate classification.

NM_000182.5(HADHA):c.68-10T>G

Gene: HADHA (hydroxyacyl-CoA dehydrogenase trifunctional multienzyme complex subunit alpha; minus strand). Cytogenetic location: 2p23.3.
Variant type: single nucleotide variant.
Coding change: c.68-10T>G on transcript NM_000182.5 (MANE Select); 10 bases into the intron before coding-DNA position 68, T replaced by G.
Molecular consequence: intron variant.
Genome position (GRCh38, 1-based): chr2:26,239,153, A>C on the plus strand (T>G on the coding strand, the complement: HADHA is on the minus strand). VCF-style: chr2-26239153-A-C. GRCh37 (hg19) VCF-style: chr2-26462021-A-C.
Other names: p.?.
Identifiers: ClinVar variation 335389 (VCV000335389.67), dbSNP rs144414842, ClinGen allele CA1559989.